The following is an entry in ClinVar:

NM_153460.4(IL17RC):c.1385A>C (p.Lys462Thr)

Gene: IL17RC (interleukin 17 receptor C; plus strand). Cytogenetic location: 3p25.3.
Variant type: single nucleotide variant.
Coding change: c.1385A>C on transcript NM_153460.4 (MANE Select); coding-DNA position 1385, A replaced by C.
Protein change: p.Lys462Thr; replaces lysine 462 with threonine.
Molecular consequence: missense variant. On other transcripts: non-coding transcript variant (1).
Genome position (GRCh38, 1-based): chr3:9,930,941, A>C. VCF-style: chr3-9930941-A-C. GRCh37 (hg19) VCF-style: chr3-9972625-A-C.
Other names: c.1385A>C, p.Lys462Thr (NM_001203263.2); c.1334A>C, p.Lys445Thr (NM_001203264.2); c.1289A>C, p.Lys430Thr (NM_001203265.2); c.1346A>C, p.Lys449Thr (NM_001367278.1); c.1265A>C, p.Lys422Thr (NM_001367279.1); c.1340A>C, p.Lys447Thr (NM_001367280.1, NM_032732.6); c.1598A>C, p.Lys533Thr (NM_153461.4); short protein forms K422T, K449T, K462T, K533T, K430T, K445T, K447T.
Identifiers: ClinVar variation 1038157 (VCV001038157.5), dbSNP rs2084594681, ClinGen allele CA351701357.

ClinVar aggregate classification (germline): Uncertain significance (1 of 4 stars; one submission).

Conditions:
Candidiasis, familial, 9 (CANDF9). Identifiers: Orphanet 1334, MedGen C4225324, MONDO:0014642, OMIM 616445.

Submission:

Labcorp Genetics (formerly Invitae), Labcorp
Classification: Uncertain significance for Candidiasis, familial, 9. Last evaluated: 2020-09-07. Review status: criteria provided, single submitter. Criteria: Invitae Variant Classification Sherloc (09022015). Collection method: clinical testing. Allele origin: germline.
Comment: In summary, the available evidence is currently insufficient to determine the role of this variant in disease. Therefore, it has been classified as a Variant of Uncertain Significance. Algorithms developed to predict the effect of missense changes on protein structure and function are either unavailable or do not agree on the potential impact of this missense change (SIFT: "Deleterious"; PolyPhen-2: "Probably Damaging"; Align-GVGD: "Class C0"). This variant has not been reported in the literature in individuals with IL17RC-related conditions. This variant is not present in population databases (ExAC no frequency). This sequence change replaces lysine with threonine at codon 533 of the IL17RC protein (p.Lys533Thr). The lysine residue is highly conserved and there is a moderate physicochemical difference between lysine and threonine.